The following is an entry in ClinVar:

ClinVar aggregate classification (germline): Uncertain significance (1 of 4 stars; one submission).

Submission:

GeneDx
Classification: Uncertain significance. Last evaluated: 2023-11-30. Review status: criteria provided, single submitter. Criteria: GeneDx Variant Classification Process June 2021. Collection method: clinical testing. Allele origin: germline. Affected: yes.
Comment: Not observed at significant frequency in large population cohorts (gnomAD); In silico analysis supports that this missense variant has a deleterious effect on protein structure/function; Has not been previously published as pathogenic or benign to our knowledge

NM_000188.3(HK1):c.1372G>A (p.Ala458Thr)

Gene: HK1 (hexokinase 1; plus strand). Cytogenetic location: 10q22.1.
Variant type: single nucleotide variant.
Coding change: c.1372G>A on transcript NM_000188.3 (MANE Select); coding-DNA position 1372, G replaced by A.
Protein change: p.Ala458Thr; replaces alanine 458 with threonine.
Molecular consequence: missense variant.
Genome position (GRCh38, 1-based): chr10:69,382,593, G>A. VCF-style: chr10-69382593-G-A. GRCh37 (hg19) VCF-style: chr10-71142349-G-A.
Other names: c.1384G>A, p.Ala462Thr (NM_001322364.2, NM_001358263.1, NM_033497.3 and 1 more transcripts); c.1477G>A, p.Ala493Thr (NM_001322365.2); c.1288G>A, p.Ala430Thr (NM_001322366.1); c.1276G>A, p.Ala426Thr (NM_001322367.1); c.1369G>A, p.Ala457Thr (NM_033496.3); c.1336G>A, p.Ala446Thr (NM_033500.2); short protein forms A426T, A430T, A446T, A457T, A458T, A462T, A493T.
Identifiers: ClinVar variation 3365087 (VCV003365087.1).